The following is an entry in ClinVar:

NM_001933.5(DLST):c.512C>T (p.Ala171Val)

Gene: DLST (dihydrolipoamide S-succinyltransferase; plus strand). Cytogenetic location: 14q24.3.
Variant type: single nucleotide variant.
Coding change: c.512C>T on transcript NM_001933.5 (MANE Select); coding-DNA position 512, C replaced by T.
Protein change: p.Ala171Val; replaces alanine 171 with valine.
Molecular consequence: missense variant. On other transcripts: non-coding transcript variant (2).
Genome position (GRCh38, 1-based): chr14:74,892,903, C>T. VCF-style: chr14-74892903-C-T. GRCh37 (hg19) VCF-style: chr14-75359606-C-T.
Other names: short protein forms A171V.
Identifiers: ClinVar variation 2636917 (VCV002636917.1), dbSNP rs766047735, ClinGen allele CA7273528.

ClinVar aggregate classification (germline): Uncertain significance (1 of 4 stars; one submission).

Conditions:
DLST-related disorder. Also called: DLST-related condition.

Allele frequency attached by ClinVar (database versions not stated): ExAC 0.00001; gnomAD 0.00001; TOPMed 0.00001; gnomAD exomes 0.00002.
gnomAD v4.1: 26 of 1,614,040 alleles (0.0016%); highest among the groups gnomAD compares: African/African-American, 0.0027%; no homozygotes.

Submission:

PreventionGenetics, part of Exact Sciences
Classification: Uncertain significance for DLST-related condition. Last evaluated: 2022-08-22. Review status: criteria provided, single submitter. Criteria: ACMG Guidelines, 2015. Collection method: clinical testing. Allele origin: germline.
Comment: The DLST c.512C>T variant is predicted to result in the amino acid substitution p.Ala171Val. To our knowledge, this variant has not been reported in the literature. This variant is reported in 0.0065% of alleles in individuals of South Asian descent in gnomAD. At this time, the clinical significance of this variant is uncertain due to the absence of conclusive functional and genetic evidence.